The following is an entry in ClinVar:

ClinVar aggregate classification (germline): Uncertain significance (1 of 4 stars; one submission).

Submission:

GeneDx
Classification: Uncertain significance. Last evaluated: 2021-02-16. Review status: criteria provided, single submitter. Criteria: GeneDx Variant Classification Process June 2021. Collection method: clinical testing. Allele origin: germline. Affected: yes.
Comment: Not observed in large population cohorts (Lek et al., 2016); In silico analysis, which includes protein predictors and evolutionary conservation, supports a deleterious effect; Has not been previously published as pathogenic or benign to our knowledge

NM_004204.5(PIGQ):c.190G>A (p.Gly64Ser)

Gene: PIGQ (phosphatidylinositol glycan anchor biosynthesis class Q; plus strand). Cytogenetic location: 16p13.3.
Variant type: single nucleotide variant.
Coding change: c.190G>A on transcript NM_004204.5 (MANE Select); coding-DNA position 190, G replaced by A.
Protein change: p.Gly64Ser; replaces glycine 64 with serine.
Molecular consequence: missense variant.
Genome position (GRCh38, 1-based): chr16:574,264, G>A. VCF-style: chr16-574264-G-A. GRCh37 (hg19) VCF-style: chr16-624264-G-A.
Other names: c.190G>A, p.Gly64Ser (NM_148920.4); short protein forms G64S.
Identifiers: ClinVar variation 1305788 (VCV001305788.2), dbSNP rs2151044255, ClinGen allele CA394046542.